The following is an entry in ClinVar:

ClinVar aggregate classification (germline): Uncertain significance (1 of 4 stars; one submission).

Submission:

Labcorp Genetics (formerly Invitae), Labcorp
Classification: Uncertain significance. Last evaluated: 2017-03-27. Review status: criteria provided, single submitter. Criteria: Invitae Variant Classification Sherloc (09022015). Collection method: clinical testing. Allele origin: germline.
Comment: This variant is a gross deletion of the genomic region encompassing exon 1 of the XRCC2 gene, which includes the initiator codon. The 5' end of this event is unknown as it extends beyond the assayed region for this gene and therefore may encompass additional genes. The 3' boundary is likely confined to intron 1 of the XRCC2 gene. This is expected to result in an absent or disrupted protein product. Deletions of exon 1 have not been reported in the literature in individuals with a XRCC2-related disease. The current clinical and genetic evidence is not sufficient to establish whether loss-of-function variants in XRCC2 cause disease. Therefore, this variant has been classified as a Variant of Uncertain Significance.

NC_000007.13:g.(?_152373120)_(152373170_?)del

Gene: XRCC2 (X-ray repair cross complementing 2; minus strand). Cytogenetic location: 7q36.1.
Variant type: Deletion.
Identifiers: ClinVar variation 1020272 (VCV001020272.1).